The following is an entry in ClinVar:

ClinVar aggregate classification (germline): Uncertain significance. Review status: criteria provided, multiple submitters, no conflicts (2 of 4 stars). 2 submissions from 2 submitters: Uncertain significance (2). Last evaluated 2024-01-19.

Conditions:
Familial thoracic aortic aneurysm and aortic dissection (TAAD). Also called: Thoracic aortic aneurysms and dissections. Identifiers: Orphanet 91387, MedGen C4707243, MONDO:0019625.
FG syndrome (FGS). Identifiers: MedGen C0220769, MONDO:0002010.

Submissions (2):

Labcorp Genetics (formerly Invitae), Labcorp
Classification: Uncertain significance for FG syndrome. Last evaluated: 2024-01-19. Review status: criteria provided, single submitter. Criteria: Invitae Variant Classification Sherloc (09022015). Collection method: clinical testing. Allele origin: germline.
Comment: This sequence change replaces glycine, which is neutral and non-polar, with cysteine, which is neutral and slightly polar, at codon 1997 of the MED12 protein (p.Gly1997Cys). This variant is not present in population databases (gnomAD no frequency). This variant has not been reported in the literature in individuals affected with MED12-related conditions. ClinVar contains an entry for this variant (Variation ID: 458821). Advanced modeling of protein sequence and biophysical properties (such as structural, functional, and spatial information, amino acid conservation, physicochemical variation, residue mobility, and thermodynamic stability) has been performed at Invitae for this missense variant, however the output from this modeling did not meet the statistical confidence thresholds required to predict the impact of this variant on MED12 protein function. In summary, the available evidence is currently insufficient to determine the role of this variant in disease. Therefore, it has been classified as a Variant of Uncertain Significance.

Ambry Genetics
Classification: Uncertain significance for Familial thoracic aortic aneurysm and aortic dissection. Last evaluated: 2020-01-06. Review status: criteria provided, single submitter. Criteria: Ambry Variant Classification Scheme 2023. Collection method: clinical testing. Allele origin: germline.
Comment: The p.G1997C variant (also known as c.5989G>T), located in coding exon 41 of the MED12 gene, results from a G to T substitution at nucleotide position 5989. The glycine at codon 1997 is replaced by cysteine, an amino acid with highly dissimilar properties. This amino acid position is highly conserved in available vertebrate species. In addition, the in silico prediction for this alteration is inconclusive. Since supporting evidence is limited at this time, the clinical significance of this alteration remains unclear.

NM_005120.3(MED12):c.5989G>T (p.Gly1997Cys)

Gene: MED12 (mediator complex subunit 12; plus strand). Cytogenetic location: Xq13.1.
Variant type: single nucleotide variant.
Coding change: c.5989G>T on transcript NM_005120.3 (MANE Select); coding-DNA position 5989, G replaced by T.
Protein change: p.Gly1997Cys; replaces glycine 1997 with cysteine.
Molecular consequence: missense variant.
Genome position (GRCh38, 1-based): chrX:71,137,888, G>T. VCF-style: chrX-71137888-G-T. GRCh37 (hg19) VCF-style: chrX-70357738-G-T.
Other names: short protein forms G1997C.
Identifiers: ClinVar variation 458821 (VCV000458821.11), dbSNP rs1556339260, ClinGen allele CA413539510.